The following is an entry in ClinVar:

ClinVar aggregate classification (germline): Likely pathogenic (1 of 4 stars; one submission).

Conditions:
Seizures, benign familial infantile, 3 (BFIS3). Also called: CONVULSIONS, BENIGN FAMILIAL INFANTILE, 3; Familial neonatal seizures. Identifiers: Orphanet 140927, Orphanet 306, MedGen C1843140, MONDO:0011904, OMIM 607745.
Developmental and epileptic encephalopathy, 11 (DEE11). Also called: Early infantile epileptic encephalopathy 11. Identifiers: Orphanet 1934, MedGen C3150987, MONDO:0013388, OMIM 613721.

Submission:

Labcorp Genetics (formerly Invitae), Labcorp
Classification: Likely pathogenic for Seizures, benign familial infantile, 3; Developmental and epileptic encephalopathy, 11. Last evaluated: 2025-06-15. Review status: criteria provided, single submitter. Criteria: Invitae Variant Classification Sherloc (09022015). Collection method: clinical testing. Allele origin: germline.
Comment: This sequence change replaces alanine, which is neutral and non-polar, with glycine, which is neutral and non-polar, at codon 1329 of the SCN2A protein (p.Ala1329Gly). This variant is not present in population databases (gnomAD no frequency). This missense change has been observed in individual(s) with SCN2A-related conditions (internal data). It has also been observed to segregate with disease in related individuals. ClinVar contains an entry for this variant (Variation ID: 1045750). Invitae Evidence Modeling of protein sequence and biophysical properties (such as structural, functional, and spatial information, amino acid conservation, physicochemical variation, residue mobility, and thermodynamic stability) indicates that this missense variant is expected to disrupt SCN2A protein function with a positive predictive value of 95%. In summary, the currently available evidence indicates that the variant is pathogenic, but additional data are needed to prove that conclusively. Therefore, this variant has been classified as Likely Pathogenic.

NM_001040142.2(SCN2A):c.3986C>G (p.Ala1329Gly)

Gene: SCN2A (sodium voltage-gated channel alpha subunit 2; plus strand). Cytogenetic location: 2q24.3.
Variant type: single nucleotide variant.
Coding change: c.3986C>G on transcript NM_001040142.2 (MANE Select); coding-DNA position 3986, C replaced by G.
Protein change: p.Ala1329Gly; replaces alanine 1329 with glycine.
Molecular consequence: missense variant.
Genome position (GRCh38, 1-based): chr2:165,374,698, C>G. VCF-style: chr2-165374698-C-G. GRCh37 (hg19) VCF-style: chr2-166231208-C-G.
Other names: c.3986C>G, p.Ala1329Gly (NM_001040143.2, NM_001371246.1, NM_001371247.1 and 1 more transcripts); short protein forms A1329G.
Identifiers: ClinVar variation 1045750 (VCV001045750.9), dbSNP rs1553593578, ClinGen allele CA349030205.